The following is an entry in ClinVar:

NM_138711.6(PPARG):c.1224A>G (p.Gln408=)

Gene: PPARG (peroxisome proliferator activated receptor gamma; plus strand). Cytogenetic location: 3p25.2.
Variant type: single nucleotide variant.
Coding change: c.1224A>G on transcript NM_138711.6 (MANE Select); coding-DNA position 1224, A replaced by G.
Protein change: p.Gln408=; no amino-acid change (glutamine 408 retained).
Molecular consequence: synonymous variant. On other transcripts: 3 prime UTR variant (5).
Genome position (GRCh38, 1-based): chr3:12,433,941, A>G. VCF-style: chr3-12433941-A-G. GRCh37 (hg19) VCF-style: chr3-12475440-A-G.
Other names: c.*26A>G (NM_001330615.4, NM_001374261.3, NM_001374262.3 and 1 more transcripts); c.1224A>G, p.Gln408= (NM_001354666.3, NM_001354667.3, NM_001374263.2 and 3 more transcripts); c.597A>G, p.Gln199= (NM_001354669.2); c.*10A>G (NM_001374266.1); c.1314A>G, p.Gln438= (NM_015869.5).
Identifiers: ClinVar variation 902829 (VCV000902829.6), dbSNP rs28763894, ClinGen allele CA2258348.

ClinVar aggregate classification (germline): Conflicting classifications of pathogenicity. Review status: criteria provided, conflicting classifications (1 of 4 stars). 4 submissions from 2 submitters: Uncertain significance (2); Likely benign (2). Last evaluated 2024-08-16.

Conditions:
Obesity. Also called: Obesity disorder. Identifiers: Orphanet 71529, MedGen C0028754, MeSH D009765, MONDO:0011122, HP:0001513.
INSULIN RESISTANCE, DIGENIC. Identifiers: MedGen C4016738.
PPARG-related familial partial lipodystrophy. Also called: LIPODYSTROPHY, FAMILIAL PARTIAL, ASSOCIATED WITH PPARG MUTATIONS. Identifiers: Orphanet 79083, MedGen C1720861, MONDO:0011448, OMIM 604367.

Allele frequency attached by ClinVar (database versions not stated): gnomAD 0.00002; ExAC 0.00003; gnomAD exomes 0.00003 and 0.00005; 1000 Genomes Project 30x 0.00031; 1000 Genomes Project 0.00040.
gnomAD v4.1: 68 of 1,614,204 alleles (0.0042%); highest among the groups gnomAD compares: East Asian, 0.15%; no homozygotes.

Submissions (4):

Labcorp Genetics (formerly Invitae), Labcorp
Classification: Likely benign. Last evaluated: 2024-08-16. Review status: criteria provided, single submitter. Criteria: Invitae Variant Classification Sherloc (09022015). Collection method: clinical testing. Allele origin: germline.

Illumina Laboratory Services, Illumina
Classification: Uncertain significance for Inherited obesity. Last evaluated: 2018-01-13. Review status: criteria provided, single submitter. Criteria: ICSL Variant Classification Criteria 13 December 2019. Collection method: clinical testing. Allele origin: germline.

Illumina Laboratory Services, Illumina
Classification: Likely benign for PPARG-related familial partial lipodystrophy. Last evaluated: 2018-01-13. Review status: criteria provided, single submitter. Criteria: ICSL Variant Classification Criteria 13 December 2019. Collection method: clinical testing. Allele origin: germline.
Comment: This variant was observed in the ICSL laboratory as part of a predisposition screen in an ostensibly healthy population. It had not been previously curated by ICSL or reported in the Human Gene Mutation Database (HGMD: prior to June 1st, 2018), and was therefore a candidate for classification through an automated scoring system. Utilizing variant allele frequency, disease prevalence and penetrance estimates, and inheritance mode, an automated score was calculated to assess if this variant is too frequent to cause the disease. Based on the score and internal cut-off values, a variant classified as likely benign is not then subjected to further curation. The score for this variant resulted in a classification of likely benign for this disease.

Illumina Laboratory Services, Illumina
Classification: Uncertain significance for Diabetes Mellitus, Noninsulin-Dependent, with Acanthosis Nigricans and Hypertension. Last evaluated: 2018-01-13. Review status: criteria provided, single submitter. Criteria: ICSL Variant Classification Criteria 13 December 2019. Collection method: clinical testing. Allele origin: germline.